The following is an entry in ClinVar:

ClinVar aggregate classification (germline): Uncertain significance (1 of 4 stars; one submission).

gnomAD v4.1: 6 of 1,613,318 alleles (0.00037%); highest among the groups gnomAD compares: Admixed American, 0.0017%; no homozygotes.

Submission:

Labcorp Genetics (formerly Invitae), Labcorp
Classification: Uncertain significance. Last evaluated: 2024-08-15. Review status: criteria provided, single submitter. Criteria: Invitae Variant Classification Sherloc (09022015). Collection method: clinical testing. Allele origin: germline.
Comment: This sequence change replaces asparagine, which is neutral and polar, with serine, which is neutral and polar, at codon 175 of the NLRP1 protein (p.Asn175Ser). This variant is present in population databases (rs768684442, gnomAD 0.002%). This variant has not been reported in the literature in individuals affected with NLRP1-related conditions. An algorithm developed to predict the effect of missense changes on protein structure and function outputs the following: PolyPhen-2: "Benign". The serine amino acid residue is found in multiple mammalian species, which suggests that this missense change does not adversely affect protein function. In summary, the available evidence is currently insufficient to determine the role of this variant in disease. Therefore, it has been classified as a Variant of Uncertain Significance.

NM_033004.4(NLRP1):c.524A>G (p.Asn175Ser)

Gene: NLRP1 (NLR family pyrin domain containing 1; minus strand). Cytogenetic location: 17p13.2.
Variant type: single nucleotide variant.
Coding change: c.524A>G on transcript NM_033004.4 (MANE Select); coding-DNA position 524, A replaced by G.
Protein change: p.Asn175Ser; replaces asparagine 175 with serine.
Molecular consequence: missense variant.
Genome position (GRCh38, 1-based): chr17:5,581,987, T>C on the plus strand (A>G on the coding strand, the complement: NLRP1 is on the minus strand). VCF-style: chr17-5581987-T-C. GRCh37 (hg19) VCF-style: chr17-5485307-T-C.
Other names: c.524A>G, p.Asn175Ser (NM_001033053.3, NM_014922.5, NM_033006.4 and 1 more transcripts); short protein forms N175S.
Identifiers: ClinVar variation 3611697 (VCV003611697.2).